The following is an entry in ClinVar:

NC_000008.10:g.(?_134024126)_(134042288_?)del

Gene: TG (thyroglobulin; plus strand). Cytogenetic location: 8q24.22.
Variant type: Deletion.
Identifiers: ClinVar variation 3245567 (VCV003245567.1).

ClinVar aggregate classification (germline): Pathogenic (1 of 4 stars; one submission).

Submission:

Labcorp Genetics (formerly Invitae), Labcorp
Classification: Pathogenic. Last evaluated: 2023-02-04. Review status: criteria provided, single submitter. Criteria: Invitae Variant Classification Sherloc (09022015). Collection method: clinical testing. Allele origin: unknown.
Comment: For these reasons, this variant has been classified as Pathogenic. This variant has not been reported in the literature in individuals affected with TG-related conditions. This variant is a gross deletion of the genomic region encompassing exon(s) 36-41 of the TG gene. This deletion is out-of-frame, and is expected to create a premature termination codon and result in an absent or disrupted protein product. Loss-of-function variants in TG are known to be pathogenic (PMID: 19837936, 23164529).

Literature cited by the submitters: PubMed 19837936; PubMed 23164529.